The following is an entry in ClinVar:

NM_001145860.2(POP1):c.1572G>C (p.Leu524Phe)

Gene: POP1 (POP1 homolog, ribonuclease P/MRP subunit; plus strand). Cytogenetic location: 8q22.2.
Variant type: single nucleotide variant.
Coding change: c.1572G>C on transcript NM_001145860.2 (MANE Select); coding-DNA position 1572, G replaced by C.
Protein change: p.Leu524Phe; replaces leucine 524 with phenylalanine.
Molecular consequence: missense variant.
Genome position (GRCh38, 1-based): chr8:98,140,866, G>C. VCF-style: chr8-98140866-G-C. GRCh37 (hg19) VCF-style: chr8-99153094-G-C.
Other names: c.1572G>C, p.Leu524Phe (NM_001145861.2, NM_015029.3); c.1572G>C (NM_015029.2); short protein forms L524F.
Identifiers: ClinVar variation 1522257 (VCV001522257.6), dbSNP rs148240266, ClinGen allele CA4820629.

ClinVar aggregate classification (germline): Uncertain significance. Review status: criteria provided, multiple submitters, no conflicts (2 of 4 stars). 2 submissions from 2 submitters: Uncertain significance (2). Last evaluated 2025-01-15.

Conditions:
Inborn genetic diseases. Identifiers: MedGen C0950123, MeSH D030342.

Allele frequency attached by ClinVar (database versions not stated): 1000 Genomes Project 30x 0.00016; 1000 Genomes Project 0.00020; gnomAD 0.00023 and 0.00025; ESP Exome Variant Server 0.00031; TOPMed 0.00032.
gnomAD v4.1: 69 of 1,614,010 alleles (0.0043%); highest among the groups gnomAD compares: African/African-American, 0.061%; no homozygotes.

Submissions (2):

Labcorp Genetics (formerly Invitae), Labcorp
Classification: Uncertain significance. Last evaluated: 2025-01-15. Review status: criteria provided, single submitter. Criteria: Invitae Variant Classification Sherloc (09022015). Collection method: clinical testing. Allele origin: germline.
Comment: This sequence change replaces leucine, which is neutral and non-polar, with phenylalanine, which is neutral and non-polar, at codon 524 of the POP1 protein (p.Leu524Phe). This variant is present in population databases (rs148240266, gnomAD 0.05%). This variant has not been reported in the literature in individuals affected with POP1-related conditions. ClinVar contains an entry for this variant (Variation ID: 1522257). An algorithm developed to predict the effect of missense changes on protein structure and function (PolyPhen-2) suggests that this variant¬†is likely to be tolerated. In summary, the available evidence is currently insufficient to determine the role of this variant in disease. Therefore, it has been classified as a Variant of Uncertain Significance.

Ambry Genetics
Classification: Uncertain significance for Inborn genetic diseases. Last evaluated: 2021-03-30. Review status: criteria provided, single submitter. Criteria: Ambry Variant Classification Scheme 2023. Collection method: clinical testing. Allele origin: germline.